The following is an entry in ClinVar:

ClinVar aggregate classification (germline): Uncertain significance (1 of 4 stars; one submission).

Conditions:
Norman-Roberts syndrome (LIS2). Also called: Lissencephaly 2 (Norman-Roberts type). Identifiers: Orphanet 89844, MedGen C0796089, MONDO:0009760, OMIM 257320.
Familial temporal lobe epilepsy 7. Identifiers: Orphanet 101046, MedGen C4225327, MONDO:0014639, OMIM 616436.

gnomAD v4.1: 2 of 1,613,982 alleles (0.00012%); highest among the groups gnomAD compares: African/African-American, 0.0013%; no homozygotes.

Submission:

Labcorp Genetics (formerly Invitae), Labcorp
Classification: Uncertain significance for Familial temporal lobe epilepsy 7; Norman-Roberts syndrome. Last evaluated: 2025-11-01. Review status: criteria provided, single submitter. Criteria: Invitae Variant Classification Sherloc (09022015). Collection method: clinical testing. Allele origin: germline.
Comment: This sequence change replaces proline, which is neutral and non-polar, with threonine, which is neutral and polar, at codon 2245 of the RELN protein (p.Pro2245Thr). This variant is not present in population databases (gnomAD no frequency). This variant has not been reported in the literature in individuals affected with RELN-related conditions. Invitae Evidence Modeling of protein sequence and biophysical properties (such as structural, functional, and spatial information, amino acid conservation, physicochemical variation, residue mobility, and thermodynamic stability) indicates that this missense variant is not expected to disrupt RELN protein function with a negative predictive value of 80%. In summary, the available evidence is currently insufficient to determine the role of this variant in disease. Therefore, it has been classified as a Variant of Uncertain Significance.

NM_005045.4(RELN):c.6733C>A (p.Pro2245Thr)

Gene: RELN (reelin; minus strand). Cytogenetic location: 7q22.1.
Variant type: single nucleotide variant.
Coding change: c.6733C>A on transcript NM_005045.4 (MANE Select); coding-DNA position 6733, C replaced by A.
Protein change: p.Pro2245Thr; replaces proline 2245 with threonine.
Molecular consequence: missense variant.
Genome position (GRCh38, 1-based): chr7:103,540,394, G>T on the plus strand (C>A on the coding strand, the complement: RELN is on the minus strand). VCF-style: chr7-103540394-G-T. GRCh37 (hg19) VCF-style: chr7-103180841-G-T.
Other names: c.6733C>A, p.Pro2245Thr (NM_173054.3); short protein forms P2245T.
Identifiers: ClinVar variation 4782680 (VCV004782680.1).